The following is an entry in ClinVar:

NM_000535.7(PMS2):c.496C>T (p.Leu166=)

Gene: PMS2 (PMS1 homolog 2, mismatch repair system component; minus strand). Cytogenetic location: 7p22.1.
Variant type: single nucleotide variant.
Coding change: c.496C>T on transcript NM_000535.7 (MANE Select); coding-DNA position 496, C replaced by T.
Protein change: p.Leu166=; no amino-acid change (leucine 166 retained).
Molecular consequence: synonymous variant. On other transcripts: 5 prime UTR variant (2), non-coding transcript variant (1).
Genome position (GRCh38, 1-based): chr7:6,002,494, G>A on the plus strand (C>T on the coding strand, the complement: PMS2 is on the minus strand). VCF-style: chr7-6002494-G-A. GRCh37 (hg19) VCF-style: chr7-6042125-G-A.
Other names: c.178C>T, p.Leu60= (NM_001322008.2, NM_001322007.2); c.91C>T, p.Leu31= (NM_001322009.2, NM_001322013.2, NM_001322010.2 and 3 more transcripts); c.496C>T, p.Leu166= (NM_001322014.2, NM_001322006.2); c.187C>T, p.Leu63= (NM_001322015.2); c.-389C>T (NM_001322011.2, NM_001322012.2).
Identifiers: ClinVar variation 231594 (VCV000231594.22), dbSNP rs876659249, ClinGen allele CA10578709.
Genomic context (GRCh38, chr7:6,002,494, plus strand): 5'-CAGGATTAATTTACTGTACCTTCTTAATATTCCTTTGAAATTCCTTATGGCGCACAGGTA[G>A]TGTGGAAAATAACTGCTGCACGCTGACTGTGGTCCCTCTGGGGCGGGGGTAGGGGGTTTT-3'
Protein context (NP_000526.2, residues 156-176): TVSVQQLFST[Leu166=]PVRHKEFQRN

ClinVar aggregate classification (germline): Benign/Likely benign. Review status: criteria provided, multiple submitters, no conflicts (2 of 4 stars). 6 submissions from 6 submitters: Benign (1); Likely benign (4). 1 of the submissions does not count toward it. Last evaluated 2025-10-12.

Conditions:
Hereditary cancer-predisposing syndrome. Also called: Neoplastic Syndromes, Hereditary; Tumor predisposition; Hereditary Cancer Syndrome; Hereditary neoplastic syndrome. Identifiers: Orphanet 140162, MedGen C0027672, MeSH D009386, MONDO:0015356.
Lynch syndrome 4 (LYNCH4). Also called: Colorectal cancer, hereditary nonpolyposis, type 4; Hereditary non-polyposis colorectal cancer, type 4. Identifiers: Orphanet 144, MedGen C1838333, MONDO:0013699, OMIM 614337. Disease mechanism: loss of function.
Hereditary nonpolyposis colorectal neoplasms. Identifiers: MedGen C0009405, MeSH D003123.
Endometrial carcinoma. Also called: Endometrial carcinoma, somatic. Identifiers: MedGen C0476089, MONDO:0002447, OMIM 608089, HP:0012114.

Allele frequency attached by ClinVar (database versions not stated): gnomAD exomes below 0.00001; TOPMed below 0.00001; gnomAD 0.00001.

Submissions (6):

Labcorp Genetics (formerly Invitae), Labcorp
Classification: Likely benign for Hereditary nonpolyposis colorectal neoplasms. Last evaluated: 2025-10-12. Review status: criteria provided, single submitter. Criteria: Invitae Variant Classification Sherloc (09022015). Collection method: clinical testing. Allele origin: germline.

Myriad Genetics, Inc.
Classification: Benign for Lynch syndrome 4. Last evaluated: 2025-01-27. Review status: criteria provided, single submitter. Criteria: Myriad Autosomal Dominant, Autosomal Recessive and X-Linked Classification Criteria (2023). Collection method: clinical testing. Allele origin: unknown.
Comment: This variant is considered benign. This variant is a silent/synonymous amino acid change and it is not expected to impact splicing.

GeneDx
Classification: Likely benign. Last evaluated: 2019-03-12. Review status: criteria provided, single submitter. Criteria: GeneDx Variant Classification Process June 2021. Collection method: clinical testing. Allele origin: germline. Affected: yes.

Color Diagnostics, LLC DBA Color Health
Classification: Likely benign for Hereditary cancer-predisposing syndrome. Last evaluated: 2017-03-13. Review status: criteria provided, single submitter. Criteria: ACMG Guidelines, 2015. Collection method: clinical testing. Allele origin: germline.

Ambry Genetics
Classification: Likely benign for Hereditary cancer-predisposing syndrome. Last evaluated: 2015-05-05. Review status: criteria provided, single submitter. Criteria: Ambry Variant Classification Scheme 2023. Collection method: clinical testing. Allele origin: germline.

Department of Pathology and Laboratory Medicine, Sinai Health System
Classification: Likely benign for Endometrial carcinoma. Review status: no assertion criteria provided. Collection method: clinical testing. Allele origin: unknown. Affected: yes. Study: The Canadian Open Genetics Repository (COGR). Not counted in ClinVar's aggregate classification.
Comment: The PMS2 p.Leu166= variant was not identified in the literature. The variant was identified in dbSNP (ID: rs876659249) as "With Likely benign allele", and in ClinVar (classified as Likely benign by Invitae, GeneDx, Color and Ambry Genetics). The variant was not identified in the following control databases: the Exome Aggregation Consortium (August 8th 2016), or the Genome Aggregation Database (Feb 27, 2017). The p.Leu166= variant is not expected to have clinical significance because it does not result in a change of amino acid and is not located in a known consensus splice site. In addition, in silico or computational prediction software programs (SpliceSiteFinder, MaxEntScan, NNSPLICE, GeneSplicer) do not predict a difference in splicing. In summary, based on the above information the clinical significance of this variant cannot be determined with certainty at this time although we would lean towards a more benign role for this variant. This variant is classified as likely benign.